The following is an entry in ClinVar:

ClinVar aggregate classification (germline): Conflicting classifications of pathogenicity. Review status: criteria provided, conflicting classifications (1 of 4 stars). 2 submissions from 2 submitters: Likely pathogenic (1); Uncertain significance (1). Last evaluated 2024-06-27.

Conditions:
Tumor predisposition syndrome 3 (TPDS3). Also called: LONG TELOMERE SYNDROME, POT1-RELATED; POT1 Tumor Predisposition; Melanoma, cutaneous malignant, susceptibility to, 10; Glioma susceptibility 9. Identifiers: Orphanet 618, MedGen C4014476, MONDO:0014368, OMIM 615848.
Hereditary cancer-predisposing syndrome. Also called: Tumor predisposition; Hereditary neoplastic syndrome; Hereditary Cancer Syndrome; Neoplastic Syndromes, Hereditary. Identifiers: Orphanet 140162, MedGen C0027672, MeSH D009386, MONDO:0015356.

Submissions (2):

Ambry Genetics
Classification: Uncertain significance for Hereditary cancer-predisposing syndrome. Last evaluated: 2024-06-27. Review status: criteria provided, single submitter. Criteria: Ambry Variant Classification Scheme 2023. Collection method: clinical testing. Allele origin: germline.
Comment: The c.1003_1006+10del14 intronic variant results from a deletion of 14 nucleotides between positions c.1003 and c.1006+14 and involves the canonical splice donor site after coding exon 8 of the POT1 gene. Alterations that disrupt the canonical splice site are expected to result in aberrant splicing. The canonical splice donor site is highly conserved in available vertebrate species. In silico splice site analysis predicts that this alteration will weaken the native splice donor site; however, direct evidence is insufficient at this time (Ambry internal data). The resulting transcript is predicted to be in-frame and is not expected to trigger nonsense-mediated mRNA decay; however, direct evidence is unavailable. The exact functional effect of the altered amino acid sequence is unknown. Based on the available evidence, the clinical significance of this alteration remains unclear.

Labcorp Genetics (formerly Invitae), Labcorp
Classification: Likely pathogenic for Tumor predisposition syndrome 3. Last evaluated: 2022-10-28. Review status: criteria provided, single submitter. Criteria: Invitae Variant Classification Sherloc (09022015). Collection method: clinical testing. Allele origin: germline.
Comment: In summary, the currently available evidence indicates that the variant is pathogenic, but additional data are needed to prove that conclusively. Therefore, this variant has been classified as Likely Pathogenic. Algorithms developed to predict the effect of sequence changes on RNA splicing suggest that this variant may disrupt the consensus splice site. This variant has not been reported in the literature in individuals affected with POT1-related conditions. This variant is not present in population databases (gnomAD no frequency). This variant results in the deletion of part of exon 12 (c.1003_1006+10del) of the POT1 gene. It is expected to disrupt RNA splicing. Variants that disrupt the donor or acceptor splice site typically lead to a loss of protein function (PMID: 16199547), and loss-of-function variants in POT1 are known to be pathogenic (PMID: 32155570).

Literature cited by the submitters: PubMed 16199547 (cited by Labcorp Genetics (formerly Invitae), Labcorp); PubMed 32155570 (cited by Labcorp Genetics (formerly Invitae), Labcorp).

NM_015450.3(POT1):c.1003_1006+10del

Gene: POT1 (protection of telomeres 1; minus strand). Cytogenetic location: 7q31.33.
Variant type: Deletion.
Coding change: c.1003_1006+10del on transcript NM_015450.3 (MANE Select); coding-DNA position 1003 through 10 bases into the intron after coding-DNA position 1006, 14 bases deleted (ACAAGTAAGACTAT).
Molecular consequence: splice donor variant.
Genome position (GRCh38, 1-based): chr7:124,846,932-124,846,945, ATAGTCTTACTTGT deleted on the plus strand (ACAAGTAAGACTAT on the coding strand, the reverse complement: POT1 is on the minus strand); deleting any 14 consecutive bases within chr7:124,846,932-124,846,946 gives the same sequence; the c. name uses the placement nearest the transcript's 3' end. VCF-style (leftmost placement, unchanged base first): chr7-124846931-CATAGTCTTACTTGT-C. GRCh37 (hg19) VCF-style: chr7-124486985-CATAGTCTTACTTGT-C.
Other names: c.1003_1006+10del14 (NM_015450.2); c.610_613+10del (NM_001042594.2).
Identifiers: ClinVar variation 2875579 (VCV002875579.4), dbSNP rs2485418253, ClinGen allele CA2739279605.